The following is an entry in ClinVar:

NM_007227.3(GPR45):c.487G>A (p.Ala163Thr)

Gene: GPR45 (G protein-coupled receptor 45; plus strand). Cytogenetic location: 2q12.1.
Variant type: single nucleotide variant.
Coding change: c.487G>A on transcript NM_007227.3 (MANE Select); coding-DNA position 487, G replaced by A.
Protein change: p.Ala163Thr; replaces alanine 163 with threonine.
Molecular consequence: missense variant.
Genome position (GRCh38, 1-based): chr2:105,242,345, G>A. VCF-style: chr2-105242345-G-A. GRCh37 (hg19) VCF-style: chr2-105858802-G-A.
Other names: short protein forms A163T.
Identifiers: ClinVar variation 1601119 (VCV001601119.10), dbSNP rs141953039, ClinGen allele CA1813592.

ClinVar aggregate classification (germline): Benign. Review status: criteria provided, multiple submitters, no conflicts (2 of 4 stars). 3 submissions from 3 submitters: Benign (2). 1 of the submissions does not count toward it. Last evaluated 2026-01-19.

Conditions:
GPR45-related condition.

Allele frequency attached by ClinVar (database versions not stated): ExAC 0.00055; gnomAD 0.00164 and 0.00173; TOPMed 0.00176; ESP Exome Variant Server 0.00208; 1000 Genomes Project 0.00339; 1000 Genomes Project 30x 0.00359.

Submissions (3):

Labcorp Genetics (formerly Invitae), Labcorp
Classification: Benign. Last evaluated: 2026-01-19. Review status: criteria provided, single submitter. Criteria: Invitae Variant Classification Sherloc (09022015). Collection method: clinical testing. Allele origin: germline.

Breakthrough Genomics
Classification: Benign. Review status: criteria provided, single submitter. Criteria: ACMG Guidelines, 2015. Collection method: not provided. Allele origin: germline. Inheritance: Unknown mechanism. Affected: yes.

PreventionGenetics, part of Exact Sciences
Classification: Likely benign for GPR45-related condition. Last evaluated: 2024-04-16. Review status: no assertion criteria provided. Collection method: clinical testing. Allele origin: germline. Not counted in ClinVar's aggregate classification.
Comment: This variant is classified as likely benign based on ACMG/AMP sequence variant interpretation guidelines (Richards et al. 2015 PMID: 25741868, with internal and published modifications).